The following is an entry in ClinVar:

NM_022166.4(XYLT1):c.2004C>T (p.His668=)

Gene: XYLT1 (xylosyltransferase 1; minus strand). Cytogenetic location: 16p12.3.
Variant type: single nucleotide variant.
Coding change: c.2004C>T on transcript NM_022166.4 (MANE Select); coding-DNA position 2004, C replaced by T.
Protein change: p.His668=; no amino-acid change (histidine 668 retained).
Molecular consequence: synonymous variant.
Genome position (GRCh38, 1-based): chr16:17,134,496, G>A on the plus strand (C>T on the coding strand, the complement: XYLT1 is on the minus strand). VCF-style: chr16-17134496-G-A. GRCh37 (hg19) VCF-style: chr16-17228353-G-A.
Other names: c.2004C>T (NM_022166.3).
Identifiers: ClinVar variation 1650552 (VCV001650552.10), dbSNP rs568660663, ClinGen allele CA7927707.

ClinVar aggregate classification (germline): Likely benign. Review status: criteria provided, single submitter (1 of 4 stars). 2 submissions from 2 submitters: Likely benign (1). 1 of the submissions does not count toward it. Last evaluated 2025-09-08.

Conditions:
Desbuquois dysplasia 1 (DBQD1). Also called: MICROMELIC DWARFISM WITH VERTEBRAL AND METAPHYSEAL ABNORMALITIES AND ADVANCED CARPOTARSAL OSSIFICATION; DESBUQUOIS DYSPLASIA 1, KIM VARIANT. Identifiers: Orphanet 1425, MedGen C4012146, MONDO:0009629, OMIM 251450.
XYLT1-related disorder. Also called: XYLT1-related condition.

Allele frequency attached by ClinVar (database versions not stated): gnomAD 0.00002 and 0.00003; ExAC 0.00003; gnomAD exomes 0.00004 and 0.00005; TOPMed 0.00005; 1000 Genomes Project 0.00020; 1000 Genomes Project 30x 0.00031.
gnomAD v4.1: 68 of 1,614,120 alleles (0.0042%); highest among the groups gnomAD compares: Admixed American, 0.0067%; no homozygotes.

Submissions (2):

Labcorp Genetics (formerly Invitae), Labcorp
Classification: Likely benign for Desbuquois dysplasia 1. Last evaluated: 2025-09-08. Review status: criteria provided, single submitter. Criteria: Invitae Variant Classification Sherloc (09022015). Collection method: clinical testing. Allele origin: germline.

PreventionGenetics, part of Exact Sciences
Classification: Likely benign for XYLT1-related condition. Last evaluated: 2023-06-16. Review status: no assertion criteria provided. Collection method: clinical testing. Allele origin: germline. Not counted in ClinVar's aggregate classification.
Comment: This variant is classified as likely benign based on ACMG/AMP sequence variant interpretation guidelines (Richards et al. 2015 PMID: 25741868, with internal and published modifications).